The following is an entry in ClinVar:

ClinVar aggregate classification (germline): Uncertain significance. Review status: criteria provided, multiple submitters, no conflicts (2 of 4 stars). 2 submissions from 2 submitters: Uncertain significance (2). Last evaluated 2023-12-25.

Conditions:
Aortic aneurysm, familial thoracic 7 (AAT7). Also called: AORTIC DISSECTION, FAMILIAL, WITH OR WITHOUT AORTIC ANEURYSM. Identifiers: MedGen C3151077, MONDO:0013418, OMIM 613780.
Familial thoracic aortic aneurysm and aortic dissection (TAAD). Also called: Thoracic aortic aneurysms and dissections. Identifiers: Orphanet 91387, MedGen C4707243, MONDO:0019625.

Allele frequency attached by ClinVar (database versions not stated): ExAC 0.00001; gnomAD exomes 0.00001 and 0.00002; gnomAD 0.00003; TOPMed 0.00003.
gnomAD v4.1: 21 of 1,613,928 alleles (0.0013%); highest among the groups gnomAD compares: South Asian, 0.0099%; no homozygotes.

Submissions (2):

Labcorp Genetics (formerly Invitae), Labcorp
Classification: Uncertain significance for Aortic aneurysm, familial thoracic 7. Last evaluated: 2023-12-25. Review status: criteria provided, single submitter. Criteria: Invitae Variant Classification Sherloc (09022015). Collection method: clinical testing. Allele origin: germline.
Comment: This sequence change replaces isoleucine, which is neutral and non-polar, with threonine, which is neutral and polar, at codon 1466 of the MYLK protein (p.Ile1466Thr). This variant is present in population databases (rs766722671, gnomAD 0.007%). This variant has not been reported in the literature in individuals affected with MYLK-related conditions. ClinVar contains an entry for this variant (Variation ID: 409679). Advanced modeling of protein sequence and biophysical properties (such as structural, functional, and spatial information, amino acid conservation, physicochemical variation, residue mobility, and thermodynamic stability) performed at Invitae indicates that this missense variant is not expected to disrupt MYLK protein function with a negative predictive value of 80%. In summary, the available evidence is currently insufficient to determine the role of this variant in disease. Therefore, it has been classified as a Variant of Uncertain Significance.

Ambry Genetics
Classification: Uncertain significance for Familial thoracic aortic aneurysm and aortic dissection. Last evaluated: 2021-10-06. Review status: criteria provided, single submitter. Criteria: Ambry Variant Classification Scheme 2023. Collection method: clinical testing. Allele origin: germline.
Comment: The p.I1466T variant (also known as c.4397T>C), located in coding exon 23 of the MYLK gene, results from a T to C substitution at nucleotide position 4397. The isoleucine at codon 1466 is replaced by threonine, an amino acid with similar properties. This amino acid position is conserved. In addition, the in silico prediction for this alteration is inconclusive. Since supporting evidence is limited at this time, the clinical significance of this alteration remains unclear.

NM_053025.4(MYLK):c.4397T>C (p.Ile1466Thr)

Gene: MYLK (myosin light chain kinase; minus strand). Cytogenetic location: 3q21.1.
Variant type: single nucleotide variant.
Coding change: c.4397T>C on transcript NM_053025.4 (MANE Select); coding-DNA position 4397, T replaced by C.
Protein change: p.Ile1466Thr; replaces isoleucine 1466 with threonine.
Molecular consequence: missense variant.
Genome position (GRCh38, 1-based): chr3:123,648,989, A>G on the plus strand (T>C on the coding strand, the complement: MYLK is on the minus strand). VCF-style: chr3-123648989-A-G. GRCh37 (hg19) VCF-style: chr3-123367836-A-G.
Other names: c.3869T>C, p.Ile1290Thr (NM_001321309.2); c.4190T>C, p.Ile1397Thr (NM_053026.4, NM_053028.4); c.4397T>C, p.Ile1466Thr (NM_053027.4); short protein forms I1466T, I1397T, I1290T.
Identifiers: ClinVar variation 409679 (VCV000409679.8), dbSNP rs766722671, ClinGen allele CA071541.